The following is an entry in ClinVar:

NM_005802.5(TOPORS):c.2770A>G (p.Thr924Ala)

Gene: TOPORS (TOP1 binding arginine/serine rich protein, E3 ubiquitin ligase; minus strand). Cytogenetic location: 9p21.1.
Variant type: single nucleotide variant.
Coding change: c.2770A>G on transcript NM_005802.5 (MANE Select); coding-DNA position 2770, A replaced by G.
Protein change: p.Thr924Ala; replaces threonine 924 with alanine.
Molecular consequence: missense variant.
Genome position (GRCh38, 1-based): chr9:32,541,755, T>C on the plus strand (A>G on the coding strand, the complement: TOPORS is on the minus strand). VCF-style: chr9-32541755-T-C. GRCh37 (hg19) VCF-style: chr9-32541753-T-C.
Other names: c.2575A>G, p.Thr859Ala (NM_001195622.2); short protein forms T859A, T924A.
Identifiers: ClinVar variation 2010651 (VCV002010651.4), dbSNP rs2489445181, ClinGen allele CA373161215.

ClinVar aggregate classification (germline): Uncertain significance (1 of 4 stars; one submission).

Submission:

Labcorp Genetics (formerly Invitae), Labcorp
Classification: Uncertain significance. Last evaluated: 2022-06-25. Review status: criteria provided, single submitter. Criteria: Invitae Variant Classification Sherloc (09022015). Collection method: clinical testing. Allele origin: germline.
Comment: This sequence change replaces threonine, which is neutral and polar, with alanine, which is neutral and non-polar, at codon 924 of the TOPORS protein (p.Thr924Ala). This variant is not present in population databases (gnomAD no frequency). This variant has not been reported in the literature in individuals affected with TOPORS-related conditions. Algorithms developed to predict the effect of missense changes on protein structure and function output the following: SIFT: "Tolerated"; PolyPhen-2: "Not Available"; Align-GVGD: "Class C0". The alanine amino acid residue is found in multiple mammalian species, which suggests that this missense change does not adversely affect protein function. In summary, the available evidence is currently insufficient to determine the role of this variant in disease. Therefore, it has been classified as a Variant of Uncertain Significance.